The following is an entry in ClinVar:

NM_001134232.2(TMEM106B):c.149A>G (p.Tyr50Cys)

Gene: TMEM106B (transmembrane protein 106B; plus strand). Cytogenetic location: 7p21.3.
Variant type: single nucleotide variant.
Coding change: c.149A>G on transcript NM_001134232.2 (MANE Select); coding-DNA position 149, A replaced by G.
Protein change: p.Tyr50Cys; replaces tyrosine 50 with cysteine.
Molecular consequence: missense variant.
Genome position (GRCh38, 1-based): chr7:12,214,959, A>G. VCF-style: chr7-12214959-A-G. GRCh37 (hg19) VCF-style: chr7-12254585-A-G.
Other names: c.149A>G, p.Tyr50Cys (NM_018374.4); short protein forms Y50C.
Identifiers: ClinVar variation 1719916 (VCV001719916.5), dbSNP rs2534902558, ClinGen allele CA366853762.
Genomic context (GRCh38, chr7:12,214,959, plus strand): 5'-TGGTTAATAGTGAAGTCCATAATGAAGATGGAAGAAATGGAGATGTCTCTCAGTTTCCAT[A>G]TGTGGAATTTACAGGAAGAGATAGTGTCACCTGCCCTACTTGTCAGGGAACAGGAAGAAT-3'
Protein context (NP_001127704.1, residues 40-60): GRNGDVSQFP[Tyr50Cys]VEFTGRDSVT

ClinVar aggregate classification (germline): Uncertain significance (1 of 4 stars; one submission).

Submission:

Labcorp Genetics (formerly Invitae), Labcorp
Classification: Uncertain significance. Last evaluated: 2022-09-29. Review status: criteria provided, single submitter. Criteria: Invitae Variant Classification Sherloc (09022015). Collection method: clinical testing. Allele origin: germline.
Comment: In summary, the available evidence is currently insufficient to determine the role of this variant in disease. Therefore, it has been classified as a Variant of Uncertain Significance. Advanced modeling of protein sequence and biophysical properties (such as structural, functional, and spatial information, amino acid conservation, physicochemical variation, residue mobility, and thermodynamic stability) performed at Invitae indicates that this missense variant is not expected to disrupt TMEM106B protein function. This variant has not been reported in the literature in individuals affected with TMEM106B-related conditions. This variant is not present in population databases (gnomAD no frequency). This sequence change replaces tyrosine, which is neutral and polar, with cysteine, which is neutral and slightly polar, at codon 50 of the TMEM106B protein (p.Tyr50Cys).